The following is an entry in ClinVar:

NM_152743.4(BRAT1):c.1765C>T (p.Arg589Trp)

Gene: BRAT1 (BRCA1 associated ATM activator 1; minus strand). Cytogenetic location: 7p22.3.
Variant type: single nucleotide variant.
Coding change: c.1765C>T on transcript NM_152743.4 (MANE Select); coding-DNA position 1765, C replaced by T.
Protein change: p.Arg589Trp; replaces arginine 589 with tryptophan.
Molecular consequence: missense variant. On other transcripts: non-coding transcript variant (1).
Genome position (GRCh38, 1-based): chr7:2,539,184, G>A on the plus strand (C>T on the coding strand, the complement: BRAT1 is on the minus strand). VCF-style: chr7-2539184-G-A. GRCh37 (hg19) VCF-style: chr7-2578818-G-A.
Other names: c.1765C>T, p.Arg589Trp (NM_001350626.2); c.1240C>T, p.Arg414Trp (NM_001350627.2); short protein forms R589W, R414W.
Identifiers: ClinVar variation 1046546 (VCV001046546.23), dbSNP rs141490198, ClinGen allele CA4127606.

ClinVar aggregate classification (germline): Uncertain significance. Review status: criteria provided, multiple submitters, no conflicts (2 of 4 stars). 3 submissions from 3 submitters: Uncertain significance (3). Last evaluated 2025-10-15.

Conditions:
Neonatal-onset encephalopathy with rigidity and seizures. Also called: Lethal neonatal spasticity-epileptic encephalopathy syndrome. Identifiers: Orphanet 435845, MedGen C3281029, MONDO:0013784, OMIM 614498.

Allele frequency attached by ClinVar (database versions not stated): gnomAD exomes 0.00004; TOPMed 0.00004.

Submissions (3):

Labcorp Genetics (formerly Invitae), Labcorp
Classification: Uncertain significance for Neonatal-onset encephalopathy with rigidity and seizures. Last evaluated: 2025-10-15. Review status: criteria provided, single submitter. Criteria: Invitae Variant Classification Sherloc (09022015). Collection method: clinical testing. Allele origin: germline.
Comment: This sequence change replaces arginine, which is basic and polar, with tryptophan, which is neutral and slightly polar, at codon 589 of the BRAT1 protein (p.Arg589Trp). This variant is present in population databases (rs141490198, gnomAD 0.02%). This variant has not been reported in the literature in individuals affected with BRAT1-related conditions. ClinVar contains an entry for this variant (Variation ID: 1046546). Invitae Evidence Modeling of protein sequence and biophysical properties (such as structural, functional, and spatial information, amino acid conservation, physicochemical variation, residue mobility, and thermodynamic stability) indicates that this missense variant is not expected to disrupt BRAT1 protein function with a negative predictive value of 95%. In summary, the available evidence is currently insufficient to determine the role of this variant in disease. Therefore, it has been classified as a Variant of Uncertain Significance.

CeGaT Center for Human Genetics Tuebingen
Classification: Uncertain significance. Last evaluated: 2024-09-01. Review status: criteria provided, single submitter. Criteria: CeGaT Center For Human Genetics Tuebingen Variant Classification Criteria Version 2. Collection method: clinical testing. Allele origin: germline. Affected: yes. Observed: 1 variant allele.
Comment: BRAT1: PM2, BP4

GeneDx
Classification: Uncertain significance. Last evaluated: 2021-08-25. Review status: criteria provided, single submitter. Criteria: GeneDx Variant Classification Process June 2021. Collection method: clinical testing. Allele origin: germline. Affected: yes.
Comment: In silico analysis supports that this missense variant does not alter protein structure/function; Has not been previously published as pathogenic or benign to our knowledge